The following is an entry in ClinVar:

NM_000257.4(MYH7):c.1888+1G>C

Gene: MYH7 (myosin heavy chain 7; minus strand). Cytogenetic location: 14q11.2.
Variant type: single nucleotide variant.
Coding change: c.1888+1G>C on transcript NM_000257.4 (MANE Select); the canonical splice donor site of the intron after coding-DNA position 1888, G replaced by C.
Molecular consequence: splice donor variant.
Genome position (GRCh38, 1-based): chr14:23,427,584, C>G on the plus strand (G>C on the coding strand, the complement: MYH7 is on the minus strand). VCF-style: chr14-23427584-C-G. GRCh37 (hg19) VCF-style: chr14-23896793-C-G.
Other names: c.1888+1G>C (NM_001407004.1).
Identifiers: ClinVar variation 1375891 (VCV001375891.8), dbSNP rs113186231, ClinGen allele CA257822054.

ClinVar aggregate classification (germline): Uncertain significance (1 of 4 stars; one submission).

Conditions:
Hypertrophic cardiomyopathy. Also called: HYPERTROPHIC MYOCARDIOPATHY. Identifiers: Orphanet 217569, MedGen C0007194, MeSH D002312, MONDO:0005045, HP:0001639.

Allele frequency attached by ClinVar (database versions not stated): gnomAD 0.00001.
gnomAD v4.1: 3 of 1,613,904 alleles (0.00019%); highest among the groups gnomAD compares: South Asian, 0.0011%; no homozygotes.

Submission:

Labcorp Genetics (formerly Invitae), Labcorp
Classification: Uncertain significance for Hypertrophic cardiomyopathy. Last evaluated: 2023-07-08. Review status: criteria provided, single submitter. Criteria: Invitae Variant Classification Sherloc (09022015). Collection method: clinical testing. Allele origin: germline.
Comment: This sequence change affects a donor splice site in intron 16 of the MYH7 gene. It is expected to disrupt RNA splicing. Variants that disrupt the donor or acceptor splice site typically lead to a loss of protein function (PMID: 16199547), however the current clinical and genetic evidence is not sufficient to establish whether loss-of-function variants in MYH7 cause disease. This variant is present in population databases (rs113186231, gnomAD 0.003%). Disruption of this splice site has been observed in individual(s) with dilated cardiomyopathy (PMID: 33906374). ClinVar contains an entry for this variant (Variation ID: 1375891). Algorithms developed to predict the effect of sequence changes on RNA splicing suggest that this variant may disrupt the consensus splice site. In summary, the available evidence is currently insufficient to determine the role of this variant in disease. Therefore, it has been classified as a Variant of Uncertain Significance.

Literature cited by the submitters: PubMed 16199547; PubMed 33906374.